The following is an entry in ClinVar:

ClinVar aggregate classification (germline): Benign/Likely benign. Review status: criteria provided, multiple submitters, no conflicts (2 of 4 stars). 7 submissions from 7 submitters: Benign (1); Likely benign (5). 1 of the submissions does not count toward it. Last evaluated 2025-10-02.

Conditions:
Hereditary cancer-predisposing syndrome. Also called: Neoplastic Syndromes, Hereditary; Hereditary Cancer Syndrome; Hereditary neoplastic syndrome; Tumor predisposition. Identifiers: Orphanet 140162, MedGen C0027672, MeSH D009386, MONDO:0015356.
Familial cancer of breast. Also called: BREAST CANCER, FAMILIAL; Hereditary breast cancer; hereditary breast carcinoma. Identifiers: Orphanet 227535, MedGen C0346153, MONDO:0016419, OMIM 114480. Disease mechanism: loss of function.

Allele frequency attached by ClinVar (database versions not stated): TOPMed below 0.00001; gnomAD exomes 0.00001 and 0.00002; gnomAD 0.00002; ExAC 0.00003; 1000 Genomes Project 30x 0.00031; 1000 Genomes Project 0.00040.
gnomAD v4.1: 16 of 1,614,214 alleles (0.00099%); highest among the groups gnomAD compares: South Asian, 0.015%; no homozygotes.

Submissions (7):

Labcorp Genetics (formerly Invitae), Labcorp
Classification: Likely benign for Familial cancer of breast. Last evaluated: 2025-10-02. Review status: criteria provided, single submitter. Criteria: Invitae Variant Classification Sherloc (09022015). Collection method: clinical testing. Allele origin: germline.

Myriad Genetics, Inc.
Classification: Benign for Familial cancer of breast. Last evaluated: 2025-01-16. Review status: criteria provided, single submitter. Criteria: Myriad Autosomal Dominant, Autosomal Recessive and X-Linked Classification Criteria (2023). Collection method: clinical testing. Allele origin: unknown.
Comment: This variant is considered benign. This variant is a silent/synonymous amino acid change and it is not expected to impact splicing.

Molecular Pathology, Peter Maccallum Cancer Centre
Classification: Likely benign for Familial cancer of breast. Last evaluated: 2024-06-19. Review status: criteria provided, single submitter. Criteria: ACMG Guidelines, 2015. Collection method: clinical testing. Allele origin: germline. Inheritance: Autosomal dominant inheritance.

Genetic Services Laboratory, University of Chicago
Classification: Likely benign. Last evaluated: 2018-04-26. Review status: criteria provided, single submitter. Criteria: ACMG Guidelines, 2015. Collection method: clinical testing. Allele origin: germline. Affected: no.

Ambry Genetics
Classification: Likely benign for Hereditary cancer-predisposing syndrome. Last evaluated: 2016-03-30. Review status: criteria provided, single submitter. Criteria: Ambry Variant Classification Scheme 2023. Collection method: clinical testing. Allele origin: germline.

Color Diagnostics, LLC DBA Color Health
Classification: Likely benign for Hereditary cancer-predisposing syndrome. Last evaluated: 2015-12-08. Review status: criteria provided, single submitter. Criteria: ACMG Guidelines, 2015. Collection method: clinical testing. Allele origin: germline.

Leiden Open Variation Database
Classification: Benign. Last evaluated: 2018-10-10. Review status: no assertion criteria provided. Collection method: curation. Allele origin: germline. Affected: yes. Not counted in ClinVar's aggregate classification.
Comment: Curators: Marc Tischkowitz, Arleen D. Auerbach. Submitter to LOVD: Yukihide Momozawa.

Literature cited by the submitters: PubMed 30287823 (cited by Leiden Open Variation Database).

NM_024675.4(PALB2):c.2319T>C (p.Thr773=)

Gene: PALB2 (partner and localizer of BRCA2; minus strand). Cytogenetic location: 16p12.2.
Variant type: single nucleotide variant.
Coding change: c.2319T>C on transcript NM_024675.4 (MANE Select); coding-DNA position 2319, T replaced by C.
Protein change: p.Thr773=; no amino-acid change (threonine 773 retained).
Molecular consequence: synonymous variant.
Genome position (GRCh38, 1-based): chr16:23,629,835, A>G on the plus strand (T>C on the coding strand, the complement: PALB2 is on the minus strand). VCF-style: chr16-23629835-A-G. GRCh37 (hg19) VCF-style: chr16-23641156-A-G.
Identifiers: ClinVar variation 460937 (VCV000460937.23), dbSNP rs562168734, ClinGen allele CA7963596.